The following is an entry in ClinVar:

NM_001369.3(DNAH5):c.5485-11A>G

Gene: DNAH5 (dynein axonemal heavy chain 5; minus strand). Cytogenetic location: 5p15.2.
Variant type: single nucleotide variant.
Coding change: c.5485-11A>G on transcript NM_001369.3 (MANE Select); 11 bases into the intron before coding-DNA position 5485, A replaced by G.
Molecular consequence: intron variant.
Genome position (GRCh38, 1-based): chr5:13,841,141, T>C on the plus strand (A>G on the coding strand, the complement: DNAH5 is on the minus strand). VCF-style: chr5-13841141-T-C. GRCh37 (hg19) VCF-style: chr5-13841250-T-C.
Identifiers: ClinVar variation 163148 (VCV000163148.10), dbSNP rs372860402, ClinGen allele CA175792.

ClinVar aggregate classification (germline): Conflicting classifications of pathogenicity. Review status: criteria provided, conflicting classifications (1 of 4 stars). 3 submissions from 3 submitters: Uncertain significance (1); Likely benign (2). Last evaluated 2025-12-03.

Conditions:
Primary ciliary dyskinesia. Also called: Ciliary dyskinesia. Identifiers: Orphanet 244, MedGen C0008780, MONDO:0016575, HP:0012265.

Allele frequency attached by ClinVar (database versions not stated): gnomAD exomes 0.00003 and 0.00013; ExAC 0.00005; gnomAD 0.00005 and 0.00006; TOPMed 0.00006; ESP Exome Variant Server 0.00023.
gnomAD v4.1: 186 of 1,598,560 alleles (0.012%); highest among the groups gnomAD compares: Non-Finnish European, 0.016%; no homozygotes.

Submissions (3):

Labcorp Genetics (formerly Invitae), Labcorp
Classification: Likely benign for Primary ciliary dyskinesia. Last evaluated: 2025-12-03. Review status: criteria provided, single submitter. Criteria: Invitae Variant Classification Sherloc (09022015). Collection method: clinical testing. Allele origin: germline.

Blueprint Genetics
Classification: Likely benign. Last evaluated: 2022-04-27. Review status: criteria provided, single submitter. Criteria: ACMG Guidelines, 2015. Collection method: clinical testing. Allele origin: germline.

Laboratory for Molecular Medicine, Mass General Brigham Personalized Medicine
Classification: Uncertain significance. Last evaluated: 2014-04-24. Review status: criteria provided, single submitter. Criteria: LMM Criteria. Collection method: clinical testing. Allele origin: germline. Observed: 1 variant allele.
Comment: Variant classified as Uncertain Significance - Favor Benign. The c.5485-11A>G va riant in intron 33 of DNAH5 has not been previously reported in individuals with pulmonary disease, but has been identified in 0.035% (3/8598) of European Ameri can chromosomes by the NHLBI Exome Sequencing Project (. edu/EVS/). This variant is located in the 3' splice region, and computational to ols do not suggest an impact to splicing. However, this information is not predi ctive enough to rule out pathogenicity. Although this data supports that the c.5 485-11A>G variant may be benign, additional studies are needed to fully assess i ts clinical significance.